The following is an entry in ClinVar:

ClinVar aggregate classification (germline): Uncertain significance (1 of 4 stars; one submission).

Conditions:
Dystonic disorder. Also called: Dystonia. Identifiers: MedGen C0013421, MONDO:0003441, HP:0001332.

Submission:

Labcorp Genetics (formerly Invitae), Labcorp
Classification: Uncertain significance for Dystonic disorder. Last evaluated: 2025-06-20. Review status: criteria provided, single submitter. Criteria: Invitae Variant Classification Sherloc (09022015). Collection method: clinical testing. Allele origin: germline.
Comment: This sequence change replaces alanine, which is neutral and non-polar, with proline, which is neutral and non-polar, at codon 376 of the DRD2 protein (p.Ala376Pro). This variant is not present in population databases (gnomAD no frequency). This variant has not been reported in the literature in individuals affected with DRD2-related conditions. ClinVar contains an entry for this variant (Variation ID: 1423388). An algorithm developed to predict the effect of missense changes on protein structure and function (PolyPhen-2) suggests that this variant is likely to be disruptive. In summary, the available evidence is currently insufficient to determine the role of this variant in disease. Therefore, it has been classified as a Variant of Uncertain Significance.

NM_000795.4(DRD2):c.1126G>C (p.Ala376Pro)

Gene: DRD2 (dopamine receptor D2; minus strand). Cytogenetic location: 11q23.2.
Variant type: single nucleotide variant.
Coding change: c.1126G>C on transcript NM_000795.4 (MANE Select); coding-DNA position 1126, G replaced by C.
Protein change: p.Ala376Pro; replaces alanine 376 with proline.
Molecular consequence: missense variant.
Genome position (GRCh38, 1-based): chr11:113,412,568, C>G on the plus strand (G>C on the coding strand, the complement: DRD2 is on the minus strand). VCF-style: chr11-113412568-C-G. GRCh37 (hg19) VCF-style: chr11-113283290-C-G.
Other names: c.1039G>C, p.Ala347Pro (NM_016574.4); short protein forms A347P, A376P.
Identifiers: ClinVar variation 1423388 (VCV001423388.6), dbSNP rs200890663, ClinGen allele CA382649453.